The following is an entry in ClinVar:

NM_032043.3(BRIP1):c.1473+4_1473+8del

Gene: BRIP1 (BRCA1 interacting DNA helicase 1; minus strand). Cytogenetic location: 17q23.2.
Variant type: Deletion.
Coding change: c.1473+4_1473+8del on transcript NM_032043.3 (MANE Select); bases 4 to 8 of the intron after coding-DNA position 1473, 5 bases deleted (AGATA; older notation c.1473+4_1473+8delAGATA).
Molecular consequence: splice donor variant.
Genome position (GRCh38, 1-based): chr17:61,793,589-61,793,593, TATCT deleted on the plus strand (AGATA on the coding strand, the reverse complement: BRIP1 is on the minus strand); deleting any 5 consecutive bases within chr17:61,793,589-61,793,595 gives the same sequence; the c. name uses the placement nearest the transcript's 3' end. VCF-style (leftmost placement, unchanged base first): chr17-61793588-ATATCT-A. GRCh37 (hg19) VCF-style: chr17-59870949-ATATCT-A.
Other names: c.1473+4_1473+8delAGATA (NM_032043.2).
Identifiers: ClinVar variation 182373 (VCV000182373.23), dbSNP rs730881650, ClinGen allele CA298935.

ClinVar aggregate classification (germline): Conflicting classifications of pathogenicity. Review status: criteria provided, conflicting classifications (1 of 4 stars). 5 submissions from 5 submitters: Likely pathogenic (2); Uncertain significance (3). Last evaluated 2025-08-03.

Conditions:
Hereditary cancer-predisposing syndrome. Also called: Tumor predisposition; Hereditary Cancer Syndrome; Hereditary neoplastic syndrome; Neoplastic Syndromes, Hereditary. Identifiers: Orphanet 140162, MedGen C0027672, MeSH D009386, MONDO:0015356.
Familial cancer of breast. Also called: BREAST CANCER, FAMILIAL; hereditary breast carcinoma; Hereditary breast cancer. Identifiers: Orphanet 227535, MedGen C0346153, MONDO:0016419, OMIM 114480. Disease mechanism: loss of function.
Fanconi anemia complementation group J. Also called: BRIP1-Related Fanconi Anemia. Identifiers: Orphanet 84, MedGen C1836860, MONDO:0012187, OMIM 609054.

Submissions (5):

Labcorp Genetics (formerly Invitae), Labcorp
Classification: Uncertain significance for Familial cancer of breast; Fanconi anemia complementation group J. Last evaluated: 2025-08-03. Review status: criteria provided, single submitter. Criteria: Invitae Variant Classification Sherloc (09022015). Collection method: clinical testing. Allele origin: germline.
Comment: This sequence change falls in intron 10 of the BRIP1 gene. It does not directly change the encoded amino acid sequence of the BRIP1 protein. It affects a nucleotide within the consensus splice site. This variant is not present in population databases (gnomAD no frequency). This variant has not been reported in the literature in individuals affected with BRIP1-related conditions. ClinVar contains an entry for this variant (Variation ID: 182373). Variants that disrupt the consensus splice site are a relatively common cause of aberrant splicing (PMID: 17576681, 9536098). Algorithms developed to predict the effect of sequence changes on RNA splicing suggest that this variant may disrupt the consensus splice site. In summary, the available evidence is currently insufficient to determine the role of this variant in disease. Therefore, it has been classified as a Variant of Uncertain Significance.

GeneDx
Classification: Likely pathogenic. Last evaluated: 2025-07-10. Review status: criteria provided, single submitter. Criteria: GeneDx Variant Classification Process June 2021. Collection method: clinical testing. Allele origin: germline. Affected: yes.
Comment: RNA studies demonstrate aberrant splicing (External communication with Ambry Genetics); Not observed at significant frequency in large population cohorts (gnomAD); Has not been previously published as pathogenic or benign to our knowledge

Ambry Genetics
Classification: Likely pathogenic for Hereditary cancer-predisposing syndrome. Last evaluated: 2025-05-25. Review status: criteria provided, single submitter. Criteria: Ambry Variant Classification Scheme 2023. Collection method: clinical testing. Allele origin: germline.
Comment: The c.1473+4_1473+8delAGATA intronic variant, located in intron 9 of the BRIP1 gene, results from a deletion of 5 nucleotides within intron 9 of the BRIP1 gene. This nucleotide region is generally conserved in available vertebrate species. In silico splice site analysis predicts that this alteration may weaken the native splice donor site. RNA studies have demonstrated that this alteration results in abnormal splicing in the set of samples tested (Ambry internal data). Based on the majority of available evidence to date, this variant is likely to be pathogenic.

Color Diagnostics, LLC DBA Color Health
Classification: Uncertain significance for Hereditary cancer-predisposing syndrome. Last evaluated: 2024-05-16. Review status: criteria provided, single submitter. Criteria: ACMG Guidelines, 2015. Collection method: clinical testing. Allele origin: germline.
Comment: This variant deletes 5 nucleotides in intron 10 of the BRIP1 gene, impacting the intron 10 splice donor site. Splice site prediction tools predict that this variant may have a significant impact on RNA splicing. Although this prediction has not been confirmed in published RNA studies, this variant is expected to result in an absent or disrupted protein product. To our knowledge, functional studies have not been reported for this variant. This variant has not been reported in individuals affected with BRIP1-related disorders in the literature. This variant has not been identified in the general population by the Genome Aggregation Database (gnomAD). The available evidence is insufficient to determine the role of this variant in disease conclusively. Therefore, this variant is classified as a Variant of Uncertain Significance.

Quest Diagnostics Nichols Institute San Juan Capistrano
Classification: Uncertain significance. Last evaluated: 2018-12-03. Review status: criteria provided, single submitter. Criteria: Quest Diagnostics criteria. Collection method: clinical testing. Allele origin: germline.

Literature cited by the submitters: PubMed 17576681 (cited by Labcorp Genetics (formerly Invitae), Labcorp); PubMed 9536098 (cited by Labcorp Genetics (formerly Invitae), Labcorp).